The following is an entry in ClinVar:

ClinVar aggregate classification (germline): Uncertain significance (1 of 4 stars; one submission).

Submission:

Ambry Genetics
Classification: Uncertain significance. Last evaluated: 2023-04-18. Review status: criteria provided, single submitter. Criteria: Ambry Variant Classification Scheme 2023. Collection method: clinical testing. Allele origin: germline.
Comment: The p.P206A variant (also known as c.616C>G), located in coding exon 4 of the IDH1 gene, results from a C to G substitution at nucleotide position 616. The proline at codon 206 is replaced by alanine, an amino acid with highly similar properties. This amino acid position is conserved. In addition, the in silico prediction for this alteration is inconclusive. Since supporting evidence is limited at this time, the clinical significance of this alteration remains unclear.

NM_005896.4(IDH1):c.616C>G (p.Pro206Ala)

Gene: IDH1 (isocitrate dehydrogenase (NADP(+)) 1; minus strand). Cytogenetic location: 2q34.
Variant type: single nucleotide variant.
Coding change: c.616C>G on transcript NM_005896.4 (MANE Select); coding-DNA position 616, C replaced by G.
Protein change: p.Pro206Ala; replaces proline 206 with alanine.
Molecular consequence: missense variant.
Genome position (GRCh38, 1-based): chr2:208,243,509, G>C on the plus strand (C>G on the coding strand, the complement: IDH1 is on the minus strand). VCF-style: chr2-208243509-G-C. GRCh37 (hg19) VCF-style: chr2-209108233-G-C.
Other names: c.616C>G, p.Pro206Ala (NM_001282386.1, NM_001282387.1); short protein forms P206A.
Identifiers: ClinVar variation 2567504 (VCV002567504.2), dbSNP rs2469022042, ClinGen allele CA350099195.